The following is an entry in ClinVar:

NM_006648.4(WNK2):c.5147G>T (p.Ser1716Ile)

Gene: WNK2 (WNK lysine deficient protein kinase 2; plus strand). Cytogenetic location: 9q22.31.
Variant type: single nucleotide variant.
Coding change: c.5147G>T on transcript NM_006648.4 (MANE Select); coding-DNA position 5147, G replaced by T.
Protein change: p.Ser1716Ile; replaces serine 1716 with isoleucine.
Molecular consequence: missense variant.
Genome position (GRCh38, 1-based): chr9:93,292,612, G>T. VCF-style: chr9-93292612-G-T. GRCh37 (hg19) VCF-style: chr9-96054894-G-T.
Other names: c.5258G>T, p.Ser1753Ile (NM_001282394.3); short protein forms S1716I, S1753I.
Identifiers: ClinVar variation 3981744 (VCV003981744.1).

ClinVar aggregate classification (germline): Uncertain significance (1 of 4 stars; one submission).

gnomAD v4.1: 2 of 1,580,592 alleles (0.00013%); highest among the groups gnomAD compares: Non-Finnish European, 0.00017%; no homozygotes.

Submission:

Ambry Genetics
Classification: Uncertain significance. Last evaluated: 2025-03-28. Review status: criteria provided, single submitter. Criteria: Ambry Variant Classification Scheme 2023. Collection method: clinical testing. Allele origin: germline.
Comment: The p.S1716I variant (also known as c.5147G>T), located in coding exon 22 of the WNK2 gene, results from a G to T substitution at nucleotide position 5147. The serine at codon 1716 is replaced by isoleucine, an amino acid with dissimilar properties. This amino acid position is conserved. In addition, this alteration is predicted to be tolerated by in silico analysis. Based on the available evidence, the clinical significance of this variant remains unclear.